The following is an entry in ClinVar:

ClinVar aggregate classification (germline): Uncertain significance (1 of 4 stars; one submission).

Conditions:
Progressive sclerosing poliodystrophy (MTDPS4A). Also called: NEURONAL DEGENERATION OF CHILDHOOD WITH LIVER DISEASE, PROGRESSIVE; Alpers-Huttenlocher Syndrome (AHS); ALPERS PROGRESSIVE INFANTILE POLIODYSTROPHY; Mitochondrial DNA Depletion Syndrome 4A; Alpers Syndrome; ALPERS DIFFUSE DEGENERATION OF CEREBRAL GRAY MATTER WITH HEPATIC CIRRHOSIS. Identifiers: Orphanet 726, MedGen C0205710, MONDO:0008758, OMIM 203700.

Submission:

Labcorp Genetics (formerly Invitae), Labcorp
Classification: Uncertain significance for Progressive sclerosing poliodystrophy. Last evaluated: 2020-06-26. Review status: criteria provided, single submitter. Criteria: Invitae Variant Classification Sherloc (09022015). Collection method: clinical testing. Allele origin: germline.
Comment: In summary, the available evidence is currently insufficient to determine the role of this variant in disease. Therefore, it has been classified as a Variant of Uncertain Significance. Algorithms developed to predict the effect of missense changes on protein structure and function are either unavailable or do not agree on the potential impact of this missense change (SIFT: "Deleterious"; PolyPhen-2: "Benign"; Align-GVGD: "Class C0"). This variant has not been reported in the literature in individuals with POLG-related conditions. This variant is not present in population databases (ExAC no frequency). This sequence change replaces glutamine with arginine at codon 51 of the POLG protein (p.Gln51Arg). The glutamine residue is weakly conserved and there is a small physicochemical difference between glutamine and arginine.

NM_002693.3(POLG):c.152A>G (p.Gln51Arg)

Genes: POLG (DNA polymerase gamma, catalytic subunit; minus strand), POLGARF (POLG alternative reading frame; minus strand). Cytogenetic location: 15q26.1.
Variant type: single nucleotide variant.
Coding change: c.152A>G on transcript NM_002693.3 (MANE Select); coding-DNA position 152, A replaced by G.
Protein change: p.Gln51Arg; replaces glutamine 51 with arginine.
Molecular consequence: missense variant.
Genome position (GRCh38, 1-based): chr15:89,333,603, T>C on the plus strand (A>G on the coding strand, the complement: POLG is on the minus strand). VCF-style: chr15-89333603-T-C. GRCh37 (hg19) VCF-style: chr15-89876834-T-C.
Other names: c.152A>G, p.Gln51Arg (NM_001126131.2); short protein forms Q51R.
Identifiers: ClinVar variation 1062721 (VCV001062721.9), dbSNP rs1478709276, ClinGen allele CA393774237.